The following is an entry in ClinVar:

ClinVar aggregate classification (germline): Uncertain significance (1 of 4 stars; one submission).

Conditions:
NIK deficiency. Also called: Primary immunodeficiency with multifaceted aberrant lymphoid immunity. Identifiers: Orphanet 447731, MedGen C5680065, MONDO:0018642.

Allele frequency attached by ClinVar (database versions not stated): gnomAD 0.00001; gnomAD exomes 0.00001; TOPMed 0.00001; ESP Exome Variant Server 0.00008.

Submission:

Labcorp Genetics (formerly Invitae), Labcorp
Classification: Uncertain significance for NIK deficiency. Last evaluated: 2024-05-20. Review status: criteria provided, single submitter. Criteria: Invitae Variant Classification Sherloc (09022015). Collection method: clinical testing. Allele origin: germline.
Comment: This sequence change replaces arginine, which is basic and polar, with histidine, which is basic and polar, at codon 405 of the MAP3K14 protein (p.Arg405His). This variant is present in population databases (rs376157616, gnomAD 0.004%). This variant has not been reported in the literature in individuals affected with MAP3K14-related conditions. ClinVar contains an entry for this variant (Variation ID: 1435763). Experimental studies and prediction algorithms are not available or were not evaluated, and the functional significance of this variant is currently unknown. In summary, the available evidence is currently insufficient to determine the role of this variant in disease. Therefore, it has been classified as a Variant of Uncertain Significance.

NM_003954.5(MAP3K14):c.1214G>A (p.Arg405His)

Gene: MAP3K14 (mitogen-activated protein kinase kinase kinase 14; minus strand). Cytogenetic location: 17q21.31.
Variant type: single nucleotide variant.
Coding change: c.1214G>A on transcript NM_003954.5 (MANE Select); coding-DNA position 1214, G replaced by A.
Protein change: p.Arg405His; replaces arginine 405 with histidine.
Molecular consequence: missense variant.
Genome position (GRCh38, 1-based): chr17:45,284,888, C>T on the plus strand (G>A on the coding strand, the complement: MAP3K14 is on the minus strand). VCF-style: chr17-45284888-C-T. GRCh37 (hg19) VCF-style: chr17-43362255-C-T.
Other names: short protein forms R405H.
Identifiers: ClinVar variation 1435763 (VCV001435763.6), dbSNP rs376157616, ClinGen allele CA8614192.